The following is an entry in ClinVar:

ClinVar aggregate classification (germline): Uncertain significance. Review status: criteria provided, multiple submitters, no conflicts (2 of 4 stars). 2 submissions from 2 submitters: Uncertain significance (2). Last evaluated 2024-05-01.

Submissions (2):

CeGaT Center for Human Genetics Tuebingen
Classification: Uncertain significance. Last evaluated: 2024-05-01. Review status: criteria provided, single submitter. Criteria: CeGaT Center For Human Genetics Tuebingen Variant Classification Criteria Version 2. Collection method: clinical testing. Allele origin: germline. Affected: yes. Observed: 1 variant allele.
Comment: ASXL2: PM2, BP4

Labcorp Genetics (formerly Invitae), Labcorp
Classification: Uncertain significance. Last evaluated: 2022-12-07. Review status: criteria provided, single submitter. Criteria: Invitae Variant Classification Sherloc (09022015). Collection method: clinical testing. Allele origin: germline.
Comment: This variant has not been reported in the literature in individuals affected with ASXL2-related conditions. This sequence change replaces proline, which is neutral and non-polar, with serine, which is neutral and polar, at codon 715 of the ASXL2 protein (p.Pro715Ser). This variant is not present in population databases (gnomAD no frequency). In summary, the available evidence is currently insufficient to determine the role of this variant in disease. Therefore, it has been classified as a Variant of Uncertain Significance. Advanced modeling of protein sequence and biophysical properties (such as structural, functional, and spatial information, amino acid conservation, physicochemical variation, residue mobility, and thermodynamic stability) performed at Invitae indicates that this missense variant is not expected to disrupt ASXL2 protein function.

NM_018263.6(ASXL2):c.2143C>T (p.Pro715Ser)

Gene: ASXL2 (ASXL transcriptional regulator 2; minus strand). Cytogenetic location: 2p23.3.
Variant type: single nucleotide variant.
Coding change: c.2143C>T on transcript NM_018263.6 (MANE Select); coding-DNA position 2143, C replaced by T.
Protein change: p.Pro715Ser; replaces proline 715 with serine.
Molecular consequence: missense variant.
Genome position (GRCh38, 1-based): chr2:25,744,194, G>A on the plus strand (C>T on the coding strand, the complement: ASXL2 is on the minus strand). VCF-style: chr2-25744194-G-A. GRCh37 (hg19) VCF-style: chr2-25967063-G-A.
Other names: c.1969C>T, p.Pro657Ser (NM_001369346.1); c.1363C>T, p.Pro455Ser (NM_001369347.1); short protein forms P455S, P715S, P657S.
Identifiers: ClinVar variation 2794572 (VCV002794572.22), dbSNP rs2465307171, ClinGen allele CA346081961.